The following is an entry in ClinVar:

NM_152416.4(NDUFAF6):c.738T>C (p.Phe246=)

Gene: NDUFAF6 (NADH:ubiquinone oxidoreductase complex assembly factor 6; plus strand). Cytogenetic location: 8q22.1.
Variant type: single nucleotide variant.
Coding change: c.738T>C on transcript NM_152416.4 (MANE Select); coding-DNA position 738, T replaced by C.
Protein change: p.Phe246=; no amino-acid change (phenylalanine 246 retained).
Molecular consequence: synonymous variant. On other transcripts: non-coding transcript variant (6).
Genome position (GRCh38, 1-based): chr8:95,048,480, T>C. VCF-style: chr8-95048480-T-C. GRCh37 (hg19) VCF-style: chr8-96060708-T-C.
Other names: c.462T>C, p.Phe154= (NM_001330582.2, NM_001354514.2, NM_001354515.2 and 1 more transcripts); c.582T>C, p.Phe194= (NM_001354516.2); c.405T>C, p.Phe135= (NM_001354517.2, NM_001354518.2, NM_001354519.2 and 1 more transcripts); c.282T>C, p.Phe94= (NM_001354522.2, NM_001354524.2, NM_001354525.2 and 7 more transcripts).
Identifiers: ClinVar variation 211581 (VCV000211581.19), dbSNP rs202047755, ClinGen allele CA209530.

ClinVar aggregate classification (germline): Conflicting classifications of pathogenicity. Review status: criteria provided, conflicting classifications (1 of 4 stars). 4 submissions from 4 submitters: Uncertain significance (1); Benign (1); Likely benign (1). 1 of the submissions does not count toward it. Last evaluated 2026-01-05.

Conditions:
NDUFAF6-related disorder. Also called: NDUFAF6-related condition.

Allele frequency attached by ClinVar (database versions not stated): gnomAD exomes 0.00069 and 0.00136; TOPMed 0.00083; gnomAD 0.00085 and 0.00086; ESP Exome Variant Server 0.00092; ExAC 0.00094.
gnomAD v4.1: 1,215 of 1,613,938 alleles (0.075%); highest among the groups gnomAD compares: Non-Finnish European, 0.02%; 17 homozygotes.

Submissions (4):

Labcorp Genetics (formerly Invitae), Labcorp
Classification: Likely benign. Last evaluated: 2026-01-05. Review status: criteria provided, single submitter. Criteria: Invitae Variant Classification Sherloc (09022015). Collection method: clinical testing. Allele origin: germline.

GeneDx
Classification: Benign. Last evaluated: 2018-07-18. Review status: criteria provided, single submitter. Criteria: GeneDx Variant Classification Process June 2021. Collection method: clinical testing. Allele origin: germline. Affected: yes.

Genetic Services Laboratory, University of Chicago
Classification: Uncertain significance. Last evaluated: 2014-06-27. Review status: criteria provided, single submitter. Criteria: ACMG Guidelines, 2015. Collection method: clinical testing. Allele origin: germline.

PreventionGenetics, part of Exact Sciences
Classification: Benign for NDUFAF6-related condition. Last evaluated: 2019-08-08. Review status: no assertion criteria provided. Collection method: clinical testing. Allele origin: germline. Not counted in ClinVar's aggregate classification.
Comment: This variant is classified as benign based on ACMG/AMP sequence variant interpretation guidelines (Richards et al. 2015 PMID: 25741868, with internal and published modifications).